The following is an entry in ClinVar:

NM_030632.3(ASXL3):c.2054C>A (p.Thr685Asn)

Gene: ASXL3 (ASXL transcriptional regulator 3; plus strand). Cytogenetic location: 18q12.1.
Variant type: single nucleotide variant.
Coding change: c.2054C>A on transcript NM_030632.3 (MANE Select); coding-DNA position 2054, C replaced by A.
Protein change: p.Thr685Asn; replaces threonine 685 with asparagine.
Molecular consequence: missense variant.
Genome position (GRCh38, 1-based): chr18:33,739,458, C>A. VCF-style: chr18-33739458-C-A. GRCh37 (hg19) VCF-style: chr18-31319422-C-A.
Other names: c.2054C>A (NM_030632.2); short protein forms T685N.
Identifiers: ClinVar variation 4278841 (VCV004278841.2).

ClinVar aggregate classification (germline): Uncertain significance. Review status: criteria provided, multiple submitters, no conflicts (2 of 4 stars). 2 submissions from 2 submitters: Uncertain significance (2). Last evaluated 2025-04-01.

Conditions:
ASXL3-related disorder. Also called: ASXL3-related condition. Identifiers: MedGen CN381524.

Submissions (2):

GeneDx
Classification: Uncertain significance. Last evaluated: 2025-04-01. Review status: criteria provided, single submitter. Criteria: GeneDx Variant Classification Process June 2021. Collection method: clinical testing. Allele origin: germline. Affected: yes.
Comment: Not observed at significant frequency in large population cohorts (gnomAD); In silico analysis indicates that this missense variant does not alter protein structure/function; Has not been previously published as pathogenic or benign to our knowledge

PreventionGenetics, part of Exact Sciences
Classification: Uncertain significance for ASXL3-related condition. Last evaluated: 2024-12-11. Review status: criteria provided, single submitter. Criteria: ACMG Guidelines, 2015. Collection method: clinical testing. Allele origin: germline.
Comment: The ASXL3 c.2054C>A variant is predicted to result in the amino acid substitution p.Thr685Asn. To our knowledge, this variant has not been reported in the literature or in a large population database (gnomAD), indicating this variant is rare. At this time, the clinical significance of this variant is uncertain due to the absence of conclusive functional and genetic evidence.